The following is an entry in ClinVar:

NM_006231.4(POLE):c.6565_6568del (p.Asn2189fs)

Gene: POLE (DNA polymerase epsilon, catalytic subunit; minus strand). Cytogenetic location: 12q24.33.
Variant type: Deletion.
Coding change: c.6565_6568del on transcript NM_006231.4 (MANE Select); coding-DNA positions 6565 to 6568, 4 bases deleted (AACT; older notation c.6565_6568delAACT).
Protein change: p.Asn2189fs; shifts the reading frame from asparagine 2189.
Molecular consequence: frameshift variant.
Genome position (GRCh38, 1-based): chr12:132,625,734-132,625,737, AGTT deleted on the plus strand (AACT on the coding strand, the reverse complement: POLE is on the minus strand). VCF-style (leftmost placement, unchanged base first): chr12-132625733-CAGTT-C. GRCh37 (hg19) VCF-style: chr12-133202319-CAGTT-C.
Other names: c.6565_6568delAACT (NM_006231.2); short protein forms N2189fs.
Identifiers: ClinVar variation 2444728 (VCV002444728.5), dbSNP rs2541837678, ClinGen allele CA2575358323.

ClinVar aggregate classification (germline): Conflicting classifications of pathogenicity. Review status: criteria provided, conflicting classifications (1 of 4 stars). 3 submissions from 3 submitters: Pathogenic (1); Likely pathogenic (1); Uncertain significance (1). Last evaluated 2025-10-07.

Conditions:
Hereditary cancer-predisposing syndrome. Also called: Neoplastic Syndromes, Hereditary; Hereditary Cancer Syndrome; Tumor predisposition; Hereditary neoplastic syndrome. Identifiers: Orphanet 140162, MedGen C0027672, MeSH D009386, MONDO:0015356.

Submissions (3):

Ambry Genetics
Classification: Uncertain significance for Hereditary cancer-predisposing syndrome. Last evaluated: 2025-10-07. Review status: criteria provided, single submitter. Criteria: Ambry Variant Classification Scheme 2023. Collection method: clinical testing. Allele origin: germline.
Comment: The c.6565_6568delAACT variant, located in coding exon 47 of the POLE gene, results from a deletion of 4 nucleotides at nucleotide positions 6565 to 6568, causing a translational frameshift with a predicted alternate stop codon (p.N2189Vfs*12). This alteration is expected to result in loss of function by premature protein truncation or nonsense-mediated mRNA decay. Although biallelic loss of function of POLE has been associated with autosomal recessive POLE deficiency, haploinsufficiency of POLE has not been established as a mechanism of disease for POLE-related polymerase proofreading-associated polyposis (PPAP) and POLE-related CMMRD-like syndrome. Based on the supporting evidence, this variant is expected to be causative of POLE deficiency when present along with a second pathogenic variant on the other allele; however, its clinical significance for PPAP and POLE-related CMMRD-like syndrome is unclear.

Labcorp Genetics (formerly Invitae), Labcorp
Classification: Pathogenic. Last evaluated: 2023-07-11. Review status: criteria provided, single submitter. Criteria: Invitae Variant Classification Sherloc (09022015). Collection method: clinical testing. Allele origin: germline.
Comment: This sequence change creates a premature translational stop signal (p.Asn2189Valfs*12) in the POLE gene. It is expected to result in an absent or disrupted protein product. Loss-of-function variants in POLE are known to be pathogenic (PMID: 23230001, 25948378, 30503519). This variant is not present in population databases (gnomAD no frequency). This variant has not been reported in the literature in individuals affected with POLE-related conditions. ClinVar contains an entry for this variant (Variation ID: 2444728). For these reasons, this variant has been classified as Pathogenic.

GeneDx
Classification: Likely pathogenic. Last evaluated: 2022-09-15. Review status: criteria provided, single submitter. Criteria: GeneDx Variant Classification Process June 2021. Collection method: clinical testing. Allele origin: germline. Affected: yes.
Comment: Frameshift variant predicted to result in protein truncation or nonsense mediated decay in a gene for which loss of function is a known mechanism of disease; Not observed at significant frequency in large population cohorts (gnomAD); Has not been previously published as pathogenic or benign to our knowledge; This type of variant is not expected to cause the autosomal dominant condition PPAP but is predicted to be associated with the autosomal recessive condition IMAGe

Literature cited by the submitters: PubMed 23230001 (cited by Labcorp Genetics (formerly Invitae), Labcorp); PubMed 25948378 (cited by Labcorp Genetics (formerly Invitae), Labcorp); PubMed 30503519 (cited by Labcorp Genetics (formerly Invitae), Labcorp).